The following is an entry in ClinVar:

ClinVar aggregate classification (germline): Uncertain significance (1 of 4 stars; one submission).

gnomAD v4.1: 7 of 1,574,584 alleles (0.00044%); highest among the groups gnomAD compares: East Asian, 0.0023%; no homozygotes.

Submission:

Women's Health and Genetics/Laboratory Corporation of America, LabCorp
Classification: Uncertain significance. Last evaluated: 2026-06-03. Review status: criteria provided, single submitter. Criteria: LabCorp Variant Classification Summary - May 2015. Collection method: clinical testing. Allele origin: germline.
Comment: Variant summary: PRKCG c.1901G>A (p.Arg634His) results in a non-conservative amino acid change in the encoded protein sequence. Algorithms developed to predict the effect of missense changes on protein structure and function are either unavailable or do not agree on the potential impact of this missense change. The variant was absent in 187526 control chromosomes. The available data on variant occurrences in the general population are insufficient to allow any conclusion about variant significance. c.1901G>A has been observed in individuals affected with PRKCG-related conditions (Ihl_2020, Schmitz-Hbsch_2021). These reports do not provide unequivocal conclusions about association of the variant with disease. To our knowledge, no experimental evidence demonstrating an impact on protein function has been reported. The following publications have been ascertained in the context of this evaluation (PMID: 32338350, 33739604). No submitters have cited clinical-significance assessments for this variant to ClinVar. Based on the evidence outlined above, the variant was classified as uncertain significance.

Literature cited by the submitters: PubMed 32338350; PubMed 33739604.

NM_002739.5(PRKCG):c.1901G>A (p.Arg634His)

Gene: PRKCG (protein kinase C gamma; plus strand). Cytogenetic location: 19q13.42.
Variant type: single nucleotide variant.
Coding change: c.1901G>A on transcript NM_002739.5 (MANE Select); coding-DNA position 1901, G replaced by A.
Protein change: p.Arg634His; replaces arginine 634 with histidine.
Molecular consequence: missense variant.
Genome position (GRCh38, 1-based): chr19:53,906,453, G>A. VCF-style: chr19-53906453-G-A. GRCh37 (hg19) VCF-style: chr19-54409707-G-A.
Other names: c.1901G>A, p.Arg634His (NM_001316329.2); short protein forms R634H.
Identifiers: ClinVar variation 4887557 (VCV004887557.1).